The following is an entry in ClinVar:

NM_001018115.3(FANCD2):c.2872G>A (p.Val958Met)

Genes: FANCD2 (FA complementation group D2; plus strand), LOC107303338 (3p25 FANCD2 Alu-mediated recombination region; plus strand). Cytogenetic location: 3p25.3.
Variant type: single nucleotide variant.
Coding change: c.2872G>A on transcript NM_001018115.3 (MANE Select); coding-DNA position 2872, G replaced by A.
Protein change: p.Val958Met; replaces valine 958 with methionine.
Molecular consequence: missense variant.
Genome position (GRCh38, 1-based): chr3:10,078,093, G>A. VCF-style: chr3-10078093-G-A. GRCh37 (hg19) VCF-style: chr3-10119777-G-A.
Other names: c.2872G>A, p.Val958Met (NM_001319984.2, NM_001374254.1, NM_033084.6); c.2761G>A, p.Val921Met (NM_001374253.1); c.2872G>A (NM_033084.5); short protein forms V958M, V921M.
Identifiers: ClinVar variation 577043 (VCV000577043.21), dbSNP rs372574627, ClinGen allele CA2250220.

ClinVar aggregate classification (germline): Conflicting classifications of pathogenicity. Review status: criteria provided, conflicting classifications (1 of 4 stars). 9 submissions from 9 submitters: Uncertain significance (8); Likely benign (1). Last evaluated 2026-10-01.

Conditions:
Fanconi anemia complementation group D2. Also called: FANCONI PANCYTOPENIA, TYPE 4; FANCONI ANEMIA, COMPLEMENTATION GROUP D; FANCD2-Related Fanconi Anemia. Identifiers: Orphanet 84, MedGen C3160738, MONDO:0009214, OMIM 227646.
Hereditary cancer-predisposing syndrome. Also called: Hereditary Cancer Syndrome; Neoplastic Syndromes, Hereditary; Tumor predisposition; Hereditary neoplastic syndrome. Identifiers: Orphanet 140162, MedGen C0027672, MeSH D009386, MONDO:0015356.
Fanconi anemia (FA). Also called: Fanconi's anemia. Identifiers: Orphanet 84, MedGen C0015625, MeSH D005199, MONDO:0019391.

Allele frequency attached by ClinVar (database versions not stated): 1000 Genomes Project 30x 0.00031; 1000 Genomes Project 0.00040; ESP Exome Variant Server 0.00008; gnomAD exomes 0.00012 and 0.00021; ExAC 0.00014; TOPMed 0.00022; gnomAD 0.00024 and 0.00025.
gnomAD v4.1: 212 of 1,612,242 alleles (0.013%); highest among the groups gnomAD compares: Admixed American, 0.12%; no homozygotes.

Submissions (9):

St. Jude Molecular Pathology, St. Jude Children's Research Hospital
Classification: Uncertain significance for Fanconi anemia complementation group D2. Last evaluated: 2026-10-01. Review status: criteria provided, single submitter. Criteria: St. Jude Assertion Criteria 2020. Collection method: clinical testing. Allele origin: germline.
Comment: The FANCD2 c.2872G>A p.(Val958Met) missense change has a maximum subpopulation frequency of 0.1% in gnomAD v2.1.1. The in silico tool REVEL is inconclusive about a pathogenic or benign effect of this variant on protein function, and to our knowledge functional studies have not been performed. To our knowledge, this variant has not been reported in the literature in individuals with Fanconi anemia. In summary, the evidence currently available is insufficient to determine the clinical significance of this variant. It has therefore been classified as of uncertain significance.

Laboratorio de I+D, Fundación Centro Médico de Asturias
Classification: Likely benign for Hereditary cancer-predisposing syndrome. Last evaluated: 2025-07-10. Review status: criteria provided, single submitter. Criteria: ACMG Guidelines, 2015. Collection method: clinical testing. Allele origin: germline.
Comment: BP4_Moderate+BP1+PM2_Supporting

Labcorp Genetics (formerly Invitae), Labcorp
Classification: Uncertain significance for Fanconi anemia. Last evaluated: 2025-01-10. Review status: criteria provided, single submitter. Criteria: Invitae Variant Classification Sherloc (09022015). Collection method: clinical testing. Allele origin: germline.
Comment: This sequence change replaces valine, which is neutral and non-polar, with methionine, which is neutral and non-polar, at codon 958 of the FANCD2 protein (p.Val958Met). This variant is present in population databases (rs372574627, gnomAD 0.1%). This variant has not been reported in the literature in individuals affected with FANCD2-related conditions. ClinVar contains an entry for this variant (Variation ID: 577043). Invitae Evidence Modeling of protein sequence and biophysical properties (such as structural, functional, and spatial information, amino acid conservation, physicochemical variation, residue mobility, and thermodynamic stability) indicates that this missense variant is expected to disrupt FANCD2 protein function with a positive predictive value of 80%. In summary, the available evidence is currently insufficient to determine the role of this variant in disease. Therefore, it has been classified as a Variant of Uncertain Significance.

Fulgent Genetics
Classification: Uncertain significance for Fanconi anemia complementation group D2. Last evaluated: 2024-06-25. Review status: criteria provided, single submitter. Criteria: ACMG Guidelines, 2015. Collection method: clinical testing. Allele origin: germline.

Laboratorio de Genetica e Diagnostico Molecular, Hospital Israelita Albert Einstein
Classification: Uncertain significance for Fanconi anemia complementation group D2. Last evaluated: 2023-02-17. Review status: criteria provided, single submitter. Criteria: ACMG Guidelines, 2015. Collection method: clinical testing. Allele origin: germline. Affected: yes.
Comment: ACMG classification criteria: BP4 supporting

Blueprint Genetics
Classification: Uncertain significance. Last evaluated: 2022-11-24. Review status: criteria provided, single submitter. Criteria: ACMG Guidelines, 2015. Collection method: clinical testing. Allele origin: germline.

Mendelics
Classification: Uncertain significance. Last evaluated: 2022-05-04. Review status: criteria provided, single submitter. Criteria: Mendelics Assertion Criteria 2019. Collection method: clinical testing. Allele origin: germline.

Genetic Services Laboratory, University of Chicago
Classification: Uncertain significance. Last evaluated: 2021-06-04. Review status: criteria provided, single submitter. Criteria: ACMG Guidelines, 2015. Collection method: clinical testing. Allele origin: germline. Affected: no.
Comment: DNA sequence analysis of the FANCD2 gene demonstrated a sequence change, c.2872G>A, in exon 30 that results in an amino acid change, p.Val958Met. This sequence change has been described in gnomAD with a frequency of 0.099% in the Latino sub-population (dbSNP rs372574627). The p.Val958Met change affects a moderately conserved amino acid residue located in a domain of the FANCD2 protein that is not known to be functional. In-silico pathogenicity prediction tools (SIFT, PolyPhen2, Align GVGD, REVEL) provide contradictory results for the p.Val958Met substitution. This sequence change does not appear to have been previously described in patients with FANCD2-related disorders. Due to the lack of sufficient evidences, the clinical significance of the p.Val958Met change remains unknown at this time.

Illumina Laboratory Services, Illumina
Classification: Uncertain significance for Fanconi anemia complementation group D2. Last evaluated: 2018-01-13. Review status: criteria provided, single submitter. Criteria: ICSL Variant Classification Criteria 13 December 2019. Collection method: clinical testing. Allele origin: germline.